The following is an entry in ClinVar:

NM_004260.4(RECQL4):c.2091T>G (p.Phe697Leu)

Gene: RECQL4 (RecQ like helicase 4; minus strand). Cytogenetic location: 8q24.3.
Variant type: single nucleotide variant.
Coding change: c.2091T>G on transcript NM_004260.4 (MANE Select); coding-DNA position 2091, T replaced by G.
Protein change: p.Phe697Leu; replaces phenylalanine 697 with leucine.
Molecular consequence: missense variant.
Genome position (GRCh38, 1-based): chr8:144,513,680, A>C on the plus strand (T>G on the coding strand, the complement: RECQL4 is on the minus strand). VCF-style: chr8-144513680-A-C. GRCh37 (hg19) VCF-style: chr8-145739064-A-C.
Other names: short protein forms F697L.
Identifiers: ClinVar variation 56405 (VCV000056405.8), dbSNP rs386833850, ClinGen allele CA144333.

ClinVar aggregate classification (germline): Uncertain significance. Review status: criteria provided, single submitter (1 of 4 stars). 2 submissions from 2 submitters: Uncertain significance (1). 1 of the submissions does not count toward it. Last evaluated 2023-09-29.

Conditions:
Baller-Gerold syndrome (BGS). Also called: CRANIOSYNOSTOSIS WITH RADIAL DEFECTS. Identifiers: Orphanet 1225, MedGen C0265308, MONDO:0009039, OMIM 218600.
Rapadilino syndrome. Identifiers: Orphanet 3021, MedGen C1849453, MONDO:0009955, OMIM 266280.

Submissions (2):

Labcorp Genetics (formerly Invitae), Labcorp
Classification: Uncertain significance for Baller-Gerold syndrome. Last evaluated: 2023-09-29. Review status: criteria provided, single submitter. Criteria: Invitae Variant Classification Sherloc (09022015). Collection method: clinical testing. Allele origin: germline.
Comment: In summary, the available evidence is currently insufficient to determine the role of this variant in disease. Therefore, it has been classified as a Variant of Uncertain Significance. Experimental studies have shown that this missense change affects RECQL4 function (PMID: 23238538). Advanced modeling of protein sequence and biophysical properties (such as structural, functional, and spatial information, amino acid conservation, physicochemical variation, residue mobility, and thermodynamic stability) performed at Invitae indicates that this missense variant is expected to disrupt RECQL4 protein function. ClinVar contains an entry for this variant (Variation ID: 56405). This missense change has been observed in individual(s) with RAPADILINO syndrome (PMID: 18716613). The frequency data for this variant in the population databases is considered unreliable, as metrics indicate poor data quality at this position in the gnomAD database. This sequence change replaces phenylalanine, which is neutral and non-polar, with leucine, which is neutral and non-polar, at codon 697 of the RECQL4 protein (p.Phe697Leu).

Juha Muilu Group; Institute for Molecular Medicine Finland (FIMM)
Classification: Likely pathogenic for Rapadilino syndrome. Review status: no assertion criteria provided. Collection method: not provided. Allele origin: unknown. Not counted in ClinVar's aggregate classification.
Comment: FinDis database variant: This variant was not found or characterized by our laboratory, data were collected from public sources: see reference
ClinVar note: Converted during submission from probable-pathogenic to Likely pathogenic.

Literature cited by the submitters: PubMed 23238538 (cited by Labcorp Genetics (formerly Invitae), Labcorp); PubMed 18716613 (cited by Labcorp Genetics (formerly Invitae), Labcorp).